The following is an entry in ClinVar:

ClinVar aggregate classification (germline): Uncertain significance. Review status: criteria provided, multiple submitters, no conflicts (2 of 4 stars). 2 submissions from 2 submitters: Uncertain significance (2). Last evaluated 2026-03-09.

Conditions:
TBXT-related disorder. Also called: TBXT-related condition.

Allele frequency attached by ClinVar (database versions not stated): ESP Exome Variant Server 0.00023.

Submissions (2):

PreventionGenetics, part of Exact Sciences
Classification: Uncertain significance for TBXT-related condition. Last evaluated: 2026-03-09. Review status: criteria provided, single submitter. Criteria: ACMG Guidelines, 2015. Collection method: clinical testing. Allele origin: germline.
Comment: The TBXT c.124C>A variant is predicted to result in the amino acid substitution p.Leu42Met. To our knowledge, this variant has not been reported in the literature. This variant is reported in 0.035% of alleles in individuals of European (Non-Finnish) descent in gnomAD and is classified as uncertain in ClinVar (Variation ID: 3173162). At this time, the clinical significance of this variant is uncertain due to the absence of conclusive functional and genetic evidence.

Ambry Genetics
Classification: Uncertain significance. Last evaluated: 2021-09-01. Review status: criteria provided, single submitter. Criteria: Ambry Variant Classification Scheme 2023. Collection method: clinical testing. Allele origin: germline.

NM_001366285.2(TBXT):c.124C>A (p.Leu42Met)

Gene: TBXT (T-box transcription factor T; minus strand). Cytogenetic location: 6q27.
Variant type: single nucleotide variant.
Coding change: c.124C>A on transcript NM_001366285.2 (MANE Select); coding-DNA position 124, C replaced by A.
Protein change: p.Leu42Met; replaces leucine 42 with methionine.
Molecular consequence: missense variant.
Genome position (GRCh38, 1-based): chr6:166,167,468, G>T on the plus strand (C>A on the coding strand, the complement: TBXT is on the minus strand). VCF-style: chr6-166167468-G-T. GRCh37 (hg19) VCF-style: chr6-166580956-G-T.
Other names: c.124C>A, p.Leu42Met (NM_001270484.2, NM_001366286.2, NM_003181.4); c.124C>A (NM_003181.3); short protein forms L42M.
Identifiers: ClinVar variation 3173162 (VCV003173162.2), dbSNP rs141082493, ClinGen allele CA4093154.